The following is an entry in ClinVar:

ClinVar aggregate classification (germline): Uncertain significance (1 of 4 stars; one submission).

Submission:

Women's Health and Genetics/Laboratory Corporation of America, LabCorp
Classification: Uncertain significance. Last evaluated: 2025-05-09. Review status: criteria provided, single submitter. Criteria: LabCorp Variant Classification Summary - May 2015. Collection method: clinical testing. Allele origin: germline.
Comment: Variant summary: MACF1 c.12539C>T (p.Thr4180Ile) results in a non-conservative amino acid change in the encoded protein sequence. Algorithms developed to predict the effect of missense changes on protein structure and function are either unavailable or do not agree on the potential impact of this missense change. The variant was absent in 251368 control chromosomes. The available data on variant occurrences in the general population are insufficient to allow any conclusion about variant significance. To our knowledge, no occurrence of c.12539C>T in individuals affected with Lissencephaly 9 With Complex Brainstem Malformation and no experimental evidence demonstrating its impact on protein function have been reported. No submitters have cited clinical-significance assessments for this variant to ClinVar. Based on the evidence outlined above, the variant was classified as uncertain significance.

NM_001394062.1(MACF1):c.18716C>T (p.Thr6239Ile)

Gene: MACF1 (microtubule actin crosslinking factor 1; plus strand). Cytogenetic location: 1p34.3.
Variant type: single nucleotide variant.
Coding change: c.18716C>T on transcript NM_001394062.1 (MANE Select); coding-DNA position 18716, C replaced by T.
Protein change: p.Thr6239Ile; replaces threonine 6239 with isoleucine.
Molecular consequence: missense variant.
Genome position (GRCh38, 1-based): chr1:39,441,995, C>T. VCF-style: chr1-39441995-C-T. GRCh37 (hg19) VCF-style: chr1-39907667-C-T.
Other names: c.6794C>T, p.Thr2265Ile (NM_001397473.1); c.12539C>T, p.Thr4180Ile (NM_012090.5); short protein forms T2265I, T4180I, T6239I.
Identifiers: ClinVar variation 3902359 (VCV003902359.1).